The following is an entry in ClinVar:

NC_000009.11:g.(?_103004832)_(103009089_?)del

Gene: INVS (inversin; plus strand). Cytogenetic location: 9q31.1.
Variant type: Deletion.
Identifiers: ClinVar variation 1375648 (VCV001375648.3).

ClinVar aggregate classification (germline): Uncertain significance (1 of 4 stars; one submission).

Conditions:
Nephronophthisis. Also called: Juvenile Nephronophthisis. Identifiers: Orphanet 655, MedGen C0687120, MONDO:0019005, HP:0000090.

Submission:

Labcorp Genetics (formerly Invitae), Labcorp
Classification: Uncertain significance for Nephronophthisis. Last evaluated: 2021-09-21. Review status: criteria provided, single submitter. Criteria: Invitae Variant Classification Sherloc (09022015). Collection method: clinical testing. Allele origin: germline.
Comment: This variant is a gross deletion of the genomic region encompassing exon(s) 7-8 of the INVS gene. This variant would be expected to be in-frame, preserving the integrity of the reading frame. This variant has not been reported in the literature in individuals affected with INVS-related conditions. Experimental studies and prediction algorithms are not available or were not evaluated, and the functional significance of this variant is currently unknown. In summary, the available evidence is currently insufficient to determine the role of this variant in disease. Therefore, it has been classified as a Variant of Uncertain Significance.